The following is an entry in ClinVar:

ClinVar aggregate classification (germline): Uncertain significance. Review status: criteria provided, multiple submitters, no conflicts (2 of 4 stars). 2 submissions from 2 submitters: Uncertain significance (2). Last evaluated 2022-10-18.

Conditions:
MHC class I deficiency. Identifiers: Orphanet 34592, MedGen C6024714, MONDO:0011476.

Allele frequency attached by ClinVar (database versions not stated): gnomAD exomes 0.00010 and 0.00012; gnomAD 0.00006; ESP Exome Variant Server 0.00012; ExAC 0.00033; TOPMed 0.00008.
gnomAD v4.1: 149 of 1,581,130 alleles (0.0094%); highest among the groups gnomAD compares: Admixed American, 0.013%; 1 homozygote.

Submissions (2):

Baylor Genetics
Classification: Uncertain significance for MHC class I deficiency 1. Last evaluated: 2022-10-18. Review status: criteria provided, single submitter. Criteria: ACMG Guidelines, 2015. Collection method: clinical testing. Allele origin: unknown.

Labcorp Genetics (formerly Invitae), Labcorp
Classification: Uncertain significance for MHC class I deficiency 1. Last evaluated: 2022-07-05. Review status: criteria provided, single submitter. Criteria: Invitae Variant Classification Sherloc (09022015). Collection method: clinical testing. Allele origin: germline.
Comment: This sequence change replaces alanine, which is neutral and non-polar, with valine, which is neutral and non-polar, at codon 161 of the TAP1 protein (p.Ala161Val). This variant is present in population databases (rs375437555, gnomAD 0.02%). This variant has not been reported in the literature in individuals affected with TAP1-related conditions. ClinVar contains an entry for this variant (Variation ID: 935274). Algorithms developed to predict the effect of missense changes on protein structure and function (SIFT, PolyPhen-2, Align-GVGD) all suggest that this variant is likely to be tolerated. In summary, the available evidence is currently insufficient to determine the role of this variant in disease. Therefore, it has been classified as a Variant of Uncertain Significance.

NM_000593.6(TAP1):c.302C>T (p.Ala101Val)

Gene: TAP1 (transporter 1, ATP binding cassette subfamily B member; minus strand). Cytogenetic location: 6p21.32.
Variant type: single nucleotide variant.
Coding change: c.302C>T on transcript NM_000593.6 (MANE Select); coding-DNA position 302, C replaced by T.
Protein change: p.Ala101Val; replaces alanine 101 with valine.
Molecular consequence: missense variant.
Genome position (GRCh38, 1-based): chr6:32,853,335, G>A on the plus strand (C>T on the coding strand, the complement: TAP1 is on the minus strand). VCF-style: chr6-32853335-G-A. GRCh37 (hg19) VCF-style: chr6-32821112-G-A.
Other names: short protein forms A101V.
Identifiers: ClinVar variation 935274 (VCV000935274.5), dbSNP rs375437555, ClinGen allele CA3747040.